The following is an entry in ClinVar:

NM_000057.4(BLM):c.3558+6G>A

Gene: BLM (BLM RecQ like helicase; plus strand). Cytogenetic location: 15q26.1.
Variant type: single nucleotide variant.
Coding change: c.3558+6G>A on transcript NM_000057.4 (MANE Select); 6 bases into the intron after coding-DNA position 3558, G replaced by A.
Molecular consequence: intron variant.
Genome position (GRCh38, 1-based): chr15:90,803,726, G>A. VCF-style: chr15-90803726-G-A. GRCh37 (hg19) VCF-style: chr15-91346956-G-A.
Other names: c.3558+6G>A (NM_001287246.2); c.2433+6G>A (NM_001287248.2); c.3358+5389G>A (NM_001287247.2).
Identifiers: ClinVar variation 1519856 (VCV001519856.6), dbSNP rs2151194465, ClinGen allele CA2573151471.

ClinVar aggregate classification (germline): Uncertain significance (1 of 4 stars; one submission).

Conditions:
Bloom syndrome (BLM). Also called: Bloom-Torre-Machacek syndrome. Identifiers: Orphanet 125, MedGen C0005859, MONDO:0008876, OMIM 210900.

Submission:

Labcorp Genetics (formerly Invitae), Labcorp
Classification: Uncertain significance for Bloom syndrome. Last evaluated: 2021-03-25. Review status: criteria provided, single submitter. Criteria: Invitae Variant Classification Sherloc (09022015). Collection method: clinical testing. Allele origin: germline.
Comment: This sequence change falls in intron 18 of the BLM gene. It does not directly change the encoded amino acid sequence of the BLM protein. It affects a nucleotide within the consensus splice site of the intron. This variant is not present in population databases (ExAC no frequency). This variant has not been reported in the literature in individuals with BLM-related conditions. Nucleotide substitutions within the consensus splice site are a relatively common cause of aberrant splicing (PMID: 17576681, 9536098). Algorithms developed to predict the effect of sequence changes on RNA splicing suggest that this variant is not likely to affect RNA splicing, but this prediction has not been confirmed by published transcriptional studies. In summary, the available evidence is currently insufficient to determine the role of this variant in disease. Therefore, it has been classified as a Variant of Uncertain Significance.

Literature cited by the submitters: PubMed 17576681; PubMed 9536098.